The following is an entry in ClinVar:

NM_002449.5(MSX2):c.577C>T (p.Arg193Ter)

Gene: MSX2 (msh homeobox 2; plus strand). Cytogenetic location: 5q35.2.
Variant type: single nucleotide variant.
Coding change: c.577C>T on transcript NM_002449.5 (MANE Select); coding-DNA position 577, C replaced by T.
Protein change: p.Arg193Ter; replaces arginine 193 with a stop codon.
Molecular consequence: nonsense. On other transcripts: 3 prime UTR variant (1).
Genome position (GRCh38, 1-based): chr5:174,729,356, C>T. VCF-style: chr5-174729356-C-T. GRCh37 (hg19) VCF-style: chr5-174156359-C-T.
Other names: c.*201C>T (NM_001363626.2); short protein forms R193*.
Identifiers: ClinVar variation 1299013 (VCV001299013.35), dbSNP rs1203256966, ClinGen allele CA362230180.
Genomic context (GRCh38, chr5:174,729,356, plus strand): 5'-GCAGAGTTCTCCAGCTCTCTGAACCTCACAGAGACCCAGGTCAAAATCTGGTTCCAGAAC[C>T]GAAGGGCCAAGGCGAAAAGACTGCAGGAGGCAGAACTGGAAAAGCTGAAAATGGCTGCAA-3'

ClinVar aggregate classification (germline): Likely pathogenic (1 of 4 stars; one submission).

Allele frequency attached by ClinVar (database versions not stated): gnomAD exomes below 0.00001; TOPMed below 0.00001.

Submission:

CeGaT Center for Human Genetics Tuebingen
Classification: Likely pathogenic. Last evaluated: 2025-03-01. Review status: criteria provided, single submitter. Criteria: CeGaT Center For Human Genetics Tuebingen Variant Classification Criteria Version 2. Collection method: clinical testing. Allele origin: germline. Affected: yes. Observed: 2 variant alleles.
Comment: MSX2: PVS1:Strong, PM2, PS4:Supporting